The following is an entry in ClinVar:

NM_000554.6(CRX):c.142C>T (p.Arg48Trp)

Gene: CRX (cone-rod homeobox; plus strand). Cytogenetic location: 19q13.33.
Variant type: single nucleotide variant.
Coding change: c.142C>T on transcript NM_000554.6 (MANE Select); coding-DNA position 142, C replaced by T.
Protein change: p.Arg48Trp; replaces arginine 48 with tryptophan.
Molecular consequence: missense variant.
Genome position (GRCh38, 1-based): chr19:47,836,284, C>T. VCF-style: chr19-47836284-C-T. GRCh37 (hg19) VCF-style: chr19-48339541-C-T.
Other names: short protein forms R48W.
Identifiers: ClinVar variation 1400605 (VCV001400605.8), dbSNP rs761797993, ClinGen allele CA9544409.

ClinVar aggregate classification (germline): Uncertain significance. Review status: criteria provided, multiple submitters, no conflicts (2 of 4 stars). 3 submissions from 3 submitters: Uncertain significance (3). Last evaluated 2023-10-01.

Conditions:
Retinal dystrophy. Also called: Inherited retinal dystrophy. Identifiers: Orphanet 71862, MedGen C0854723, MeSH D058499, MONDO:0019118, HP:0000556.
Cone-rod dystrophy 2 (CORD2). Also called: CONE-ROD RETINAL DYSTROPHY; Cone-rod retinal dystrophy 2. Identifiers: Orphanet 1872, MedGen C3489532, MONDO:0007362, OMIM 120970.
Leber congenital amaurosis 7 (LCA7). Identifiers: Orphanet 65, MedGen C3151192, MONDO:0013449, OMIM 613829.

Allele frequency attached by ClinVar (database versions not stated): gnomAD 0.00001; TOPMed 0.00001; ExAC 0.00002; gnomAD exomes 0.00002.
gnomAD v4.1: 17 of 1,614,078 alleles (0.0011%); highest among the groups gnomAD compares: African/African-American, 0.004%; no homozygotes.

Submissions (3):

Dept Of Ophthalmology, Nagoya University
Classification: Uncertain significance for Retinal dystrophy. Last evaluated: 2023-10-01. Review status: criteria provided, single submitter. Criteria: Submitter's publication. Collection method: research. Allele origin: germline. Affected: yes.

Labcorp Genetics (formerly Invitae), Labcorp
Classification: Uncertain significance for Cone-rod dystrophy 2; Leber congenital amaurosis 7. Last evaluated: 2022-08-16. Review status: criteria provided, single submitter. Criteria: Invitae Variant Classification Sherloc (09022015). Collection method: clinical testing. Allele origin: germline.
Comment: Algorithms developed to predict the effect of missense changes on protein structure and function (SIFT, PolyPhen-2, Align-GVGD) all suggest that this variant is likely to be disruptive. In summary, the available evidence is currently insufficient to determine the role of this variant in disease. Therefore, it has been classified as a Variant of Uncertain Significance. ClinVar contains an entry for this variant (Variation ID: 1400605). This sequence change replaces arginine, which is basic and polar, with tryptophan, which is neutral and slightly polar, at codon 48 of the CRX protein (p.Arg48Trp). This variant is present in population databases (rs761797993, gnomAD 0.01%). This missense change has been observed in individual(s) with autosomal dominant CRX-related conditions (PMID: 31626798).

Blueprint Genetics
Classification: Uncertain significance. Last evaluated: 2022-05-18. Review status: criteria provided, single submitter. Criteria: ACMG Guidelines, 2015. Collection method: clinical testing. Allele origin: germline.

Literature cited by the submitters: PubMed 31626798 (cited by Labcorp Genetics (formerly Invitae), Labcorp).